The following is an entry in ClinVar:

NM_001379500.1(COL18A1):c.577C>T (p.Arg193Trp)

Gene: COL18A1 (collagen type XVIII alpha 1 chain; plus strand). Cytogenetic location: 21q22.3.
Variant type: single nucleotide variant.
Coding change: c.577C>T on transcript NM_001379500.1 (MANE Select); coding-DNA position 577, C replaced by T.
Protein change: p.Arg193Trp; replaces arginine 193 with tryptophan.
Molecular consequence: missense variant.
Genome position (GRCh38, 1-based): chr21:45,468,712, C>T. VCF-style: chr21-45468712-C-T. GRCh37 (hg19) VCF-style: chr21-46888626-C-T.
Other names: NM_130445.2:c.577C>T; c.1117C>T, p.Arg373Trp (NM_030582.4); c.1822C>T, p.Arg608Trp (NM_130444.3); short protein forms R193W, R373W, R608W.
Identifiers: ClinVar variation 1417474 (VCV001417474.6), dbSNP rs571541763, ClinGen allele CA10065786.

ClinVar aggregate classification (germline): Uncertain significance. Review status: criteria provided, multiple submitters, no conflicts (2 of 4 stars). 3 submissions from 3 submitters: Uncertain significance (3). Last evaluated 2024-02-01.

Conditions:
Inborn genetic diseases. Identifiers: MedGen C0950123, MeSH D030342.
Hereditary glaucoma, primary closed-angle. Also called: Glaucoma, primary closed-angle. Identifiers: MedGen C5394374, MONDO:0030038, OMIM 618880.
Knobloch syndrome 1 (KNO1). Identifiers: MedGen C4551775, MONDO:0800167, OMIM 267750.

Allele frequency attached by ClinVar (database versions not stated): ExAC 0.00003; gnomAD 0.00003 and 0.00004; gnomAD exomes 0.00003 and 0.00004; TOPMed 0.00004; 1000 Genomes Project 30x 0.00016; 1000 Genomes Project 0.00020.

Submissions (3):

Labcorp Genetics (formerly Invitae), Labcorp
Classification: Uncertain significance. Last evaluated: 2024-02-01. Review status: criteria provided, single submitter. Criteria: Invitae Variant Classification Sherloc (09022015). Collection method: clinical testing. Allele origin: germline.
Comment: This sequence change replaces arginine, which is basic and polar, with tryptophan, which is neutral and slightly polar, at codon 193 of the COL18A1 protein (p.Arg193Trp). This variant is present in population databases (rs571541763, gnomAD 0.01%). This variant has not been reported in the literature in individuals affected with COL18A1-related conditions. ClinVar contains an entry for this variant (Variation ID: 1417474). Experimental studies and prediction algorithms are not available or were not evaluated, and the functional significance of this variant is currently unknown. In summary, the available evidence is currently insufficient to determine the role of this variant in disease. Therefore, it has been classified as a Variant of Uncertain Significance.

Ambry Genetics
Classification: Uncertain significance for Inborn genetic diseases. Last evaluated: 2022-06-13. Review status: criteria provided, single submitter. Criteria: Ambry Variant Classification Scheme 2023. Collection method: clinical testing. Allele origin: germline.

Fulgent Genetics
Classification: Uncertain significance for Knobloch syndrome 1; Hereditary glaucoma, primary closed-angle. Last evaluated: 2022-03-24. Review status: criteria provided, single submitter. Criteria: ACMG Guidelines, 2015. Collection method: clinical testing. Allele origin: unknown.